The following is an entry in ClinVar:

NC_000013.11:g.20192983G>C

Gene: GJB2 (gap junction protein beta 2; minus strand). Cytogenetic location: 13q12.11.
Variant type: single nucleotide variant.
Genome position: GRCh38 VCF-style: chr13-20192983-G-C. GRCh37 (hg19) VCF-style: chr13-20767122-G-C.
Identifiers: ClinVar variation 930002 (VCV000930002.4), dbSNP rs906180955, ClinGen allele CA246463832.

ClinVar aggregate classification (germline): Uncertain significance (1 of 4 stars; one submission).

Allele frequency attached by ClinVar (database versions not stated): gnomAD 0.00014; 1000 Genomes Project 30x 0.00016; TOPMed 0.00036.

Submission:

Laboratory for Molecular Medicine, Mass General Brigham Personalized Medicine
Classification: Uncertain significance. Last evaluated: 2019-04-26. Review status: criteria provided, single submitter. Criteria: LMM Criteria. Collection method: clinical testing. Allele origin: germline. Observed: 1 variant allele.
Comment: The c.-223C>G variant in GJB2 has not been previously reported in individuals with hearing loss, but has been identified in 0.1% (1/848) of Latino chromosomes and in 0.01% (1/8654) of African chromosomes by gnomAD. This variant is located in the 5' UTR and it is unknown whether this variant could disrupt the GJB2 gene. In summary, the clinical significance of this variant is uncertain. ACMG/AMP criteria applied: none.